The following is an entry in ClinVar:

NM_007294.4(BRCA1):c.1681T>C (p.Ser561Pro)

Gene: BRCA1 (BRCA1 DNA repair associated; minus strand). Cytogenetic location: 17q21.31.
Variant type: single nucleotide variant.
Coding change: c.1681T>C on transcript NM_007294.4 (MANE Select); coding-DNA position 1681, T replaced by C.
Protein change: p.Ser561Pro; replaces serine 561 with proline.
Molecular consequence: missense variant. On other transcripts: intron variant (137).
Genome position (GRCh38, 1-based): chr17:43,093,850, A>G on the plus strand (T>C on the coding strand, the complement: BRCA1 is on the minus strand). VCF-style: chr17-43093850-A-G. GRCh37 (hg19) VCF-style: chr17-41245867-A-G.
Other names: c.1555T>C, p.Ser519Pro (NM_001407687.1, NM_001407688.1, NM_001407689.1 and 11 more transcripts); c.1540T>C, p.Ser514Pro (NM_001407692.1, NM_001407694.1, NM_001407695.1 and 29 more transcripts); c.1681T>C, p.Ser561Pro (NM_001407684.1, NM_001407652.1, NM_001407581.1 and 30 more transcripts); c.1678T>C, p.Ser560Pro (NM_001407634.1, NM_001407635.1, NM_001407636.1 and 22 more transcripts); c.1603T>C, p.Ser535Pro (NM_001407653.1, NM_001407654.1, NM_001407655.1 and 4 more transcripts); c.1600T>C, p.Ser534Pro (NM_001407659.1, NM_001407660.1, NM_001407661.1 and 1 more transcripts); c.1558T>C, p.Ser520Pro (NM_001407674.1, NM_001407675.1, NM_001407676.1 and 19 more transcripts); c.1468T>C, p.Ser490Pro (NM_001407571.1, NM_001407898.1, NM_001407899.1 and 9 more transcripts); and 40 more; short protein forms S433P, S472P, S473P, S493P, S494P, S519P, S534P, S558P.
Identifiers: ClinVar variation 5033191 (VCV005033191.1).

ClinVar aggregate classification (germline): Uncertain significance (1 of 4 stars; one submission).

Conditions:
Hereditary cancer-predisposing syndrome. Also called: Neoplastic Syndromes, Hereditary; Tumor predisposition; Hereditary neoplastic syndrome; Hereditary Cancer Syndrome. Identifiers: Orphanet 140162, MedGen C0027672, MeSH D009386, MONDO:0015356.

Submission:

Ambry Genetics
Classification: Uncertain significance for Hereditary cancer-predisposing syndrome. Last evaluated: 2026-07-16. Review status: criteria provided, single submitter. Criteria: Ambry Variant Classification Scheme 2023. Collection method: clinical testing. Allele origin: germline.
Comment: The p.S561P variant (also known as c.1681T>C), located in coding exon 9 of the BRCA1 gene, results from a T to C substitution at nucleotide position 1681. The serine at codon 561 is replaced by proline, an amino acid with similar properties. This amino acid position is not well conserved in available vertebrate species. In addition, the in silico prediction for this alteration is inconclusive. Based on the available evidence, the clinical significance of this variant remains unclear.